The following is an entry in ClinVar:

NM_001283009.2(RTEL1):c.3522C>T (p.Thr1174=)

Genes: RTEL1 (regulator of telomere elongation helicase 1; plus strand), RTEL1-TNFRSF6B (RTEL1-TNFRSF6B readthrough (NMD candidate); plus strand). Cytogenetic location: 20q13.33.
Variant type: single nucleotide variant.
Coding change: c.3522C>T on transcript NM_001283009.2 (MANE Select); coding-DNA position 3522, C replaced by T.
Protein change: p.Thr1174=; no amino-acid change (threonine 1174 retained).
Molecular consequence: synonymous variant. On other transcripts: non-coding transcript variant (1).
Genome position (GRCh38, 1-based): chr20:63,695,350, C>T. VCF-style: chr20-63695350-C-T. GRCh37 (hg19) VCF-style: chr20-62326703-C-T.
Other names: c.2853C>T, p.Thr951= (NM_001283010.1); c.3522C>T, p.Thr1174= (NM_016434.4); c.3594C>T, p.Thr1198= (NM_032957.5); c.3594C>T (NM_032957.4).
Identifiers: ClinVar variation 1574823 (VCV001574823.12), dbSNP rs200086502, ClinGen allele CA9966105.

ClinVar aggregate classification (germline): Likely benign. Review status: criteria provided, multiple submitters, no conflicts (2 of 4 stars). 4 submissions from 4 submitters: Likely benign (3). 1 of the submissions does not count toward it. Last evaluated 2025-09-02.

Conditions:
Dyskeratosis congenita. Identifiers: Orphanet 1775, MedGen C0265965, MONDO:0015780.
RTEL1-related disorder. Also called: RTEL1-related condition; RTEL1-related disorders.
Dyskeratosis congenita, autosomal recessive 5 (DKCB5). Identifiers: MedGen C3554656, MONDO:0014076, OMIM 615190.
Pulmonary fibrosis and/or bone marrow failure, Telomere-related, 3. Also called: PULMONARY FIBROSIS AND/OR BONE MARROW FAILURE SYNDROME, TELOMERE-RELATED, 3. Identifiers: Orphanet 2032, MedGen C4225346, MONDO:0014613, OMIM 616373.
Inborn genetic diseases. Identifiers: MedGen C0950123, MeSH D030342.

Allele frequency attached by ClinVar (database versions not stated): ExAC 0.00003; gnomAD exomes 0.00003; TOPMed 0.00003; gnomAD 0.00004.
gnomAD v4.1: 46 of 1,550,498 alleles (0.003%); highest among the groups gnomAD compares: Non-Finnish European, 0.0033%; no homozygotes.

Submissions (4):

Labcorp Genetics (formerly Invitae), Labcorp
Classification: Likely benign for Dyskeratosis congenita, autosomal recessive 5; Pulmonary fibrosis and/or bone marrow failure, Telomere-related, 3. Last evaluated: 2025-09-02. Review status: criteria provided, single submitter. Criteria: Invitae Variant Classification Sherloc (09022015). Collection method: clinical testing. Allele origin: germline.

Ambry Genetics
Classification: Likely benign for Inborn genetic diseases. Last evaluated: 2025-01-05. Review status: criteria provided, single submitter. Criteria: Ambry Variant Classification Scheme 2023. Collection method: clinical testing. Allele origin: germline.

Sema4
Classification: Likely benign for Dyskeratosis congenita. Last evaluated: 2021-10-18. Review status: criteria provided, single submitter. Criteria: Sema4 Curation Guidelines. Collection method: curation. Allele origin: germline.

PreventionGenetics, part of Exact Sciences
Classification: Likely benign for RTEL1-related condition. Last evaluated: 2022-02-01. Review status: no assertion criteria provided. Collection method: clinical testing. Allele origin: germline. Not counted in ClinVar's aggregate classification.
Comment: This variant is classified as likely benign based on ACMG/AMP sequence variant interpretation guidelines (Richards et al. 2015 PMID: 25741868, with internal and published modifications).